The following is an entry in ClinVar:

ClinVar aggregate classification (germline): Conflicting classifications of pathogenicity. Review status: criteria provided, conflicting classifications (1 of 4 stars). 9 submissions from 9 submitters: Uncertain significance (2); Likely benign (6). 1 of the submissions does not count toward it. Last evaluated 2025-09-29.

Conditions:
Wilson disease (WND). Also called: Wilson's disease. Identifiers: Orphanet 905, MedGen C0019202, MONDO:0010200, OMIM 277900. Disease mechanism: loss of function.

Allele frequency attached by ClinVar (database versions not stated): gnomAD below 0.00001 and 0.00001; TOPMed below 0.00001.
gnomAD v4.1: 33 of 1,613,344 alleles (0.002%); highest among the groups gnomAD compares: South Asian, 0.034%; 1 homozygote.

Submissions (9):

Labcorp Genetics (formerly Invitae), Labcorp
Classification: Likely benign for Wilson disease. Last evaluated: 2025-09-29. Review status: criteria provided, single submitter. Criteria: Invitae Variant Classification Sherloc (09022015). Collection method: clinical testing. Allele origin: germline.

All of Us Research Program, National Institutes of Health
Classification: Likely benign for Wilson disease. Last evaluated: 2024-06-09. Review status: criteria provided, single submitter. Criteria: ACMG Guidelines, 2015. Collection method: clinical testing. Allele origin: germline. Inheritance: Autosomal recessive inheritance. Observed: 1 variant allele, 1 heterozygote.
Comment: This study involves interpretation of variants in research participants for the purpose of population health screening. Participant phenotype was not available at the time of variant classification. Additional details can be found in publication PMID: 35346344, PMCID: PMC8962531

Genome-Nilou Lab
Classification: Likely benign for Wilson disease. Last evaluated: 2021-08-10. Review status: criteria provided, single submitter. Criteria: ACMG Guidelines, 2015. Collection method: clinical testing. Allele origin: germline. Affected: no.

ARUP Laboratories, Molecular Genetics and Genomics, ARUP Laboratories
Classification: Likely benign for Wilson disease. Last evaluated: 2020-06-28. Review status: criteria provided, single submitter. Criteria: ARUP Molecular Germline Variant Investigation Process. Collection method: clinical testing. Allele origin: germline.

GeneDx
Classification: Likely benign. Last evaluated: 2018-03-01. Review status: criteria provided, single submitter. Criteria: GeneDx Variant Classification (06012015). Collection method: clinical testing. Allele origin: germline. Affected: yes.
Comment: This variant is considered likely benign or benign based on one or more of the following criteria: it is a conservative change, it occurs at a poorly conserved position in the protein, it is predicted to be benign by multiple in silico algorithms, and/or has population frequency not consistent with disease.

Eurofins Ntd Llc (ga)
Classification: Uncertain significance. Last evaluated: 2017-06-20. Review status: criteria provided, single submitter. Criteria: EGL Classification Definitions 2015. Collection method: clinical testing. Allele origin: germline. Observed: 2 variant alleles, 2 heterozygotes.

Illumina Laboratory Services, Illumina
Classification: Uncertain significance for Wilson disease. Last evaluated: 2017-04-27. Review status: criteria provided, single submitter. Criteria: ICSL Variant Classification Criteria 13 December 2019. Collection method: clinical testing. Allele origin: germline.
Comment: This variant was observed as part of a predisposition screen in an ostensibly healthy population. A literature search was performed for the gene, cDNA change, and amino acid change (where applicable). Publications were found based on this search. However, the evidence from the literature, in combination with allele frequency data from public databases where available, was not sufficient to rule this variant in or out of causing disease. Therefore, this variant is classified as a variant of unknown significance.

PreventionGenetics, part of Exact Sciences
Classification: Likely benign. Review status: criteria provided, single submitter. Criteria: ACMG Guidelines, 2015. Collection method: clinical testing. Allele origin: germline.

Natera, Inc.
Classification: Likely benign for Wilson disease. Last evaluated: 2020-03-15. Review status: no assertion criteria provided. Collection method: clinical testing. Allele origin: germline. Not counted in ClinVar's aggregate classification.

Literature cited by the submitters: PubMed 17823867 (cited by Illumina Laboratory Services, Illumina); PubMed 23551039 (cited by Illumina Laboratory Services, Illumina).

NM_000053.4(ATP7B):c.2976C>A (p.Pro992=)

Gene: ATP7B (ATPase copper transporting beta; minus strand). Cytogenetic location: 13q14.3.
Variant type: single nucleotide variant.
Coding change: c.2976C>A on transcript NM_000053.4 (MANE Select); coding-DNA position 2976, C replaced by A.
Protein change: p.Pro992=; no amino-acid change (proline 992 retained).
Molecular consequence: synonymous variant.
Genome position (GRCh38, 1-based): chr13:51,946,368, G>T on the plus strand (C>A on the coding strand, the complement: ATP7B is on the minus strand). VCF-style: chr13-51946368-G-T. GRCh37 (hg19) VCF-style: chr13-52520504-G-T.
Other names: c.2355C>A, p.Pro785= (NM_001005918.3); c.2643C>A, p.Pro881= (NM_001243182.2); c.2742C>A, p.Pro914= (NM_001330578.2); c.2724C>A, p.Pro908= (NM_001330579.2).
Identifiers: ClinVar variation 254766 (VCV000254766.32), dbSNP rs746358240, ClinGen allele CA6988851.